The following is an entry in ClinVar:

NM_001182.5(ALDH7A1):c.8G>C (p.Arg3Pro)

Gene: ALDH7A1 (aldehyde dehydrogenase 7 family member A1; minus strand). Cytogenetic location: 5q23.2.
Variant type: single nucleotide variant.
Coding change: c.8G>C on transcript NM_001182.5 (MANE Select); coding-DNA position 8, G replaced by C.
Protein change: p.Arg3Pro; replaces arginine 3 with proline.
Molecular consequence: missense variant. On other transcripts: 5 prime UTR variant (1).
Genome position (GRCh38, 1-based): chr5:126,595,191, C>G on the plus strand (G>C on the coding strand, the complement: ALDH7A1 is on the minus strand). VCF-style: chr5-126595191-C-G. GRCh37 (hg19) VCF-style: chr5-125930883-C-G.
Other names: c.-77G>C (NM_001201377.2); c.8G>C, p.Arg3Pro (NM_001202404.2); short protein forms R3P.
Identifiers: ClinVar variation 452622 (VCV000452622.2), dbSNP rs759866910, ClinGen allele CA360734025.

ClinVar aggregate classification (germline): Uncertain significance (1 of 4 stars; one submission).

Allele frequency attached by ClinVar (database versions not stated): TOPMed 0.00002.
gnomAD v4.1: 3 of 1,552,054 alleles (0.00019%); highest among the groups gnomAD compares: South Asian, 0.0036%; no homozygotes.

Submission:

GeneDx
Classification: Uncertain significance. Last evaluated: 2017-10-06. Review status: criteria provided, single submitter. Criteria: GeneDx Variant Classification (06012015). Collection method: clinical testing. Allele origin: germline. Affected: yes.
Comment: The R3P variant has not been published as a pathogenic variant, nor has it been reported as a benign variant to our knowledge. The R3P variant is not observed at a significant frequency in large population cohorts (Lek et al., 2016). This variant is a non-conservative amino acid substitution, which is likely to impact secondary protein structure as these residues differ in polarity, charge, size and/or other properties. However, this substitution occurs at a position that is not conserved, and in silico analysis predicts this variant likely does not alter the protein structure/function.